The following is an entry in ClinVar:

NM_020207.7(ERCC6L2):c.1555C>A (p.His519Asn)

Gene: ERCC6L2 (ERCC excision repair 6 like 2; plus strand). Cytogenetic location: 9q22.32.
Variant type: single nucleotide variant.
Coding change: c.1555C>A on transcript NM_020207.7 (MANE Select); coding-DNA position 1555, C replaced by A.
Protein change: p.His519Asn; replaces histidine 519 with asparagine.
Molecular consequence: missense variant. On other transcripts: non-coding transcript variant (1).
Genome position (GRCh38, 1-based): chr9:95,928,100, C>A. VCF-style: chr9-95928100-C-A. GRCh37 (hg19) VCF-style: chr9-98690382-C-A.
Other names: c.1555C>A, p.His519Asn (NM_001010895.4, NM_001375291.1, NM_001375292.1 and 2 more transcripts); short protein forms H519N.
Identifiers: ClinVar variation 1518312 (VCV001518312.7), dbSNP rs759609268, ClinGen allele CA5139602.
Genomic context (GRCh38, chr9:95,928,100, plus strand): 5'-TTGGAACTGGTTCACTGATTTTCTGTGGTTCATTTTCAGGTCCTTCAGCAGCTTTTAAAT[C>A]ATTGCAGGAAAAACAGAGATAAAGTTCTTCTCTTTTCTTTTTCCACCAAGGTGAGTTCAT-3'
Protein context (NP_064592.3, residues 509-529): KMKVLQQLLN[His519Asn]CRKNRDKVLL

ClinVar aggregate classification (germline): Uncertain significance. Review status: criteria provided, multiple submitters, no conflicts (2 of 4 stars). 3 submissions from 3 submitters: Uncertain significance (3). Last evaluated 2025-01-27.

Conditions:
Inborn genetic diseases. Identifiers: MedGen C0950123, MeSH D030342.
Pancytopenia-developmental delay syndrome. Also called: Bone marrow failure syndrome 2. Identifiers: Orphanet 401764, MedGen C3810350, MONDO:0014317, OMIM 615715.

Allele frequency attached by ClinVar (database versions not stated): ExAC 0.00001; gnomAD 0.00001; gnomAD exomes 0.00002 and 0.00005; TOPMed 0.00002.
gnomAD v4.1: 77 of 1,612,706 alleles (0.0048%); highest among the groups gnomAD compares: Non-Finnish European, 0.0064%; no homozygotes.

Submissions (3):

Labcorp Genetics (formerly Invitae), Labcorp
Classification: Uncertain significance. Last evaluated: 2025-01-27. Review status: criteria provided, single submitter. Criteria: Invitae Variant Classification Sherloc (09022015). Collection method: clinical testing. Allele origin: germline.
Comment: This sequence change replaces histidine, which is basic and polar, with asparagine, which is neutral and polar, at codon 530 of the ERCC6L2 protein (p.His530Asn). This variant is present in population databases (rs759609268, gnomAD 0.004%). This variant has not been reported in the literature in individuals affected with ERCC6L2-related conditions. ClinVar contains an entry for this variant (Variation ID: 1518312). Experimental studies and prediction algorithms are not available or were not evaluated, and the functional significance of this variant is currently unknown. In summary, the available evidence is currently insufficient to determine the role of this variant in disease. Therefore, it has been classified as a Variant of Uncertain Significance.

Ambry Genetics
Classification: Uncertain significance for Inborn genetic diseases. Last evaluated: 2024-12-07. Review status: criteria provided, single submitter. Criteria: Ambry Variant Classification Scheme 2023. Collection method: clinical testing. Allele origin: germline.
Comment: The p.H519N variant (also known as c.1555C>A), located in coding exon 10 of the ERCC6L2 gene, results from a C to A substitution at nucleotide position 1555. The histidine at codon 519 is replaced by asparagine, an amino acid with similar properties. This amino acid position is conserved. In addition, this alteration is predicted to be tolerated by in silico analysis. Based on the available evidence, the clinical significance of this variant remains unclear.

Center for Genomics, Ann and Robert H. Lurie Children's Hospital of Chicago
Classification: Uncertain significance for Pancytopenia-developmental delay syndrome. Last evaluated: 2021-08-16. Review status: criteria provided, single submitter. Criteria: ACMG Guidelines, 2015. Collection method: clinical testing. Allele origin: germline.
Comment: ERCC6L2 NM_020207.4 exon 10 p.His530Asn (c.1588C>A): This variant has not been reported in the literature but is present in 0.002% (2/68012) of European alleles in the Genome Aggregation Database. Evolutionary conservation and computational predictive tools for this variant are unclear. In summary, data on this variant is insufficient for disease classification. Therefore, the clinical significance of this variant is uncertain